The following is an entry in ClinVar:

NM_000077.5(CDKN2A):c.113C>A (p.Pro38His)

Gene: CDKN2A (cyclin dependent kinase inhibitor 2A; minus strand). Cytogenetic location: 9p21.3.
Variant type: single nucleotide variant.
Coding change: c.113C>A on transcript NM_000077.5; coding-DNA position 113, C replaced by A.
Protein change: p.Pro38His; replaces proline 38 with histidine.
Molecular consequence: missense variant (on NM_000077.6). On other transcripts: intron variant (2).
Genome position (GRCh38, 1-based): chr9:21,974,715, G>T on the plus strand (C>A on the coding strand, the complement: CDKN2A is on the minus strand). VCF-style: chr9-21974715-G-T. GRCh37 (hg19) VCF-style: chr9-21974714-G-T.
Other names: c.113C>A, p.Pro38His (NM_000077.6, NM_001195132.2, NM_058197.5); c.-3-3507C>A (NM_001363763.2); c.194-3507C>A (NM_058195.4); short protein forms P38H.
Identifiers: ClinVar variation 4530104 (VCV004530104.1).

ClinVar aggregate classification (somatic clinical impact): Tier II - Potential (1 of 4 stars; one submission).

Conditions:
Adrenal cortex carcinoma. Also called: Adrenocortical carcinoma. Identifiers: Orphanet 1501, MedGen C0206686, MeSH D018268, MONDO:0006639, HP:0006744.

gnomAD v4.1: 1 of 1,612,098 alleles (0.000062%); highest among the groups gnomAD compares: Non-Finnish European, 0.000085%; no homozygotes.

Submission:

Institute for Genomic Medicine (IGM) Clinical Laboratory, Nationwide Children's Hospital
Classification: Tier II - Potential for Adrenal cortex carcinoma. Assertion type: diagnostic. Clinical significance: supports diagnosis. Last evaluated: 2025-07-16. Review status: criteria provided, single submitter. Criteria: AMP/ASCO/CAP Guidelines, 2017. Collection method: clinical testing. Allele origin: somatic. Affected: yes.
Comment: Variant has Tier II (potential) clinical significance as a diagnostic inclusion criterion in adrenal cortex carcinoma, based on the following evidence: 1) Documented in one or more cancer databases (e.g., St. Jude Pecan, COSMIC, CIViC, OncoKB). 2) Appears in one or more well-established professional guidelines (e.g., World Health Organization [WHO]; National Comprehensive Cancer Network [NCCN]) as providing diagnostic, prognostic, or therapeutic information. 3) Diagnostic significance based on multiple small studies (Evidence Level C; PMIDs: 27165744, 24747642, 25078331, 22733721, 34410225).

Literature cited by the submitters: PubMed 27165744; PubMed 24747642; PubMed 25078331; PubMed 22733721; PubMed 34410225.